The following is an entry in ClinVar:

ClinVar aggregate classification (germline): Likely pathogenic. Review status: criteria provided, multiple submitters, no conflicts (2 of 4 stars). 2 submissions from 2 submitters: Likely pathogenic (2). Last evaluated 2024-04-01.

Conditions:
Cardiovascular phenotype. Identifiers: MedGen CN230736.

Submissions (2):

CeGaT Center for Human Genetics Tuebingen
Classification: Likely pathogenic. Last evaluated: 2024-04-01. Review status: criteria provided, single submitter. Criteria: CeGaT Center For Human Genetics Tuebingen Variant Classification Criteria Version 2. Collection method: clinical testing. Allele origin: germline. Affected: yes. Observed: 1 variant allele.
Comment: TTN: PVS1:Strong, PM2

Ambry Genetics
Classification: Likely pathogenic for Cardiovascular phenotype. Last evaluated: 2022-08-15. Review status: criteria provided, single submitter. Criteria: Ambry Variant Classification Scheme 2023. Collection method: clinical testing. Allele origin: germline.
Comment: The p.W12615* variant (also known as c.37845G>A), located in coding exon 138 of the TTN gene, results from a G to A substitution at nucleotide position 37845. This changes the amino acid from a tryptophan to a stop codon within coding exon 138. This exon is located in the A-band region of the N2-B isoform of the titin protein and is constitutively expressed in TTN transcripts (percent spliced in or PSI 100%). This variant is considered to be rare based on population cohorts in the Genome Aggregation Database (gnomAD). In addition, this alteration is expected to result in loss of function by premature protein truncation or nonsense-mediated mRNA decay. While truncating variants in TTN are present in 1-3% of the general population, truncating variants in the A-band are the most common cause of dilated cardiomyopathy (DCM) (Herman DS et al. N. Engl. J. Med., 2012 Feb;366:619-28; Roberts AM et al. Sci Transl Med, 2015 Jan;7:270ra6). TTN truncating variants encoded in constitutive exons (PSI >90%) have been found to be significantly associated with DCM regardless of their position in titin (Schafer S et al. Nat. Genet., 2017 01;49:46-53). Based on the majority of available evidence to date, this variant is likely to be pathogenic.

NM_001267550.2(TTN):c.65040G>A (p.Trp21680Ter)

Genes: TTN (titin; minus strand), TTN-AS1 (TTN antisense RNA 1; plus strand). Cytogenetic location: 2q31.2.
Variant type: single nucleotide variant.
Coding change: c.65040G>A on transcript NM_001267550.2 (MANE Select); coding-DNA position 65040, G replaced by A.
Protein change: p.Trp21680Ter; replaces tryptophan 21680 with a stop codon.
Molecular consequence: nonsense.
Genome position (GRCh38, 1-based): chr2:178,584,511, C>T on the plus strand (G>A on the coding strand, the complement: TTN is on the minus strand). VCF-style: chr2-178584511-C-T. GRCh37 (hg19) VCF-style: chr2-179449238-C-T.
Other names: c.60117G>A, p.Trp20039Ter (NM_001256850.1); c.37845G>A, p.Trp12615Ter (NM_003319.4); c.57336G>A, p.Trp19112Ter (NM_133378.4); c.38220G>A, p.Trp12740Ter (NM_133432.3); c.38421G>A, p.Trp12807Ter (NM_133437.4); short protein forms W12615*, W12740*, W12807*, W20039*, W21680*, W19112*.
Identifiers: ClinVar variation 1734868 (VCV001734868.22), dbSNP rs2469142626, ClinGen allele CA349435601.